The following is an entry in ClinVar:

ClinVar aggregate classification (germline): Likely benign. Review status: criteria provided, multiple submitters, no conflicts (2 of 4 stars). 2 submissions from 2 submitters: Likely benign (2). Last evaluated 2025-11-26.

Conditions:
Muscular dystrophy-dystroglycanopathy (congenital with brain and eye anomalies), type A2. Also called: MUSCULAR DYSTROPHY-DYSTROGLYCANOPATHY (CONGENITAL WITH BRAIN AND EYE ANOMALIES), TYPE A, 2; WALKER-WARBURG SYNDROME OR MUSCLE-EYE-BRAIN DISEASE, POMT2-RELATED. Identifiers: Orphanet 588, Orphanet 899, MedGen C3150411, MONDO:0013154, OMIM 613150.
Muscular dystrophy-dystroglycanopathy (congenital with impaired intellectual development), type B, 2. Also called: Muscular dystrophy-dystroglycanopathy (congenital with intellectual disability), type B2; MUSCULAR DYSTROPHY, CONGENITAL, POMT2-RELATED. Identifiers: MedGen C3150416, MONDO:0013160, OMIM 613156.
Autosomal recessive limb-girdle muscular dystrophy type 2N. Also called: MUSCULAR DYSTROPHY-DYSTROGLYCANOPATHY, LIMB-GIRDLE, POMT2-RELATED; Muscular dystrophy-dystroglycanopathy (limb-girdle), type C, 2. Identifiers: Orphanet 206559, MedGen C3150418, MONDO:0013162, OMIM 613158.

Allele frequency attached by ClinVar (database versions not stated): gnomAD exomes 0.00003 and 0.00008; ExAC 0.00004; TOPMed 0.00004; ESP Exome Variant Server 0.00008; gnomAD 0.00006.

Submissions (2):

Labcorp Genetics (formerly Invitae), Labcorp
Classification: Likely benign for Muscular dystrophy-dystroglycanopathy (congenital with impaired intellectual development), type B, 2; Muscular dystrophy-dystroglycanopathy (congenital with brain and eye anomalies), type A2; Autosomal recessive limb-girdle muscular dystrophy type 2N. Last evaluated: 2025-11-26. Review status: criteria provided, single submitter. Criteria: Invitae Variant Classification Sherloc (09022015). Collection method: clinical testing. Allele origin: germline.

GeneDx
Classification: Likely benign. Last evaluated: 2016-12-22. Review status: criteria provided, single submitter. Criteria: GeneDx Variant Classification (06012015). Collection method: clinical testing. Allele origin: germline. Affected: yes.
Comment: This variant is considered likely benign or benign based on one or more of the following criteria: it is a conservative change, it occurs at a poorly conserved position in the protein, it is predicted to be benign by multiple in silico algorithms, and/or has population frequency not consistent with disease.

NM_013382.7(POMT2):c.1785+20C>T

Gene: POMT2 (protein O-mannosyltransferase 2; minus strand). Cytogenetic location: 14q24.3.
Variant type: single nucleotide variant.
Coding change: c.1785+20C>T on transcript NM_013382.7 (MANE Select); 20 bases into the intron after coding-DNA position 1785, C replaced by T.
Molecular consequence: intron variant.
Genome position (GRCh38, 1-based): chr14:77,280,001, G>A on the plus strand (C>T on the coding strand, the complement: POMT2 is on the minus strand). VCF-style: chr14-77280001-G-A. GRCh37 (hg19) VCF-style: chr14-77746344-G-A.
Identifiers: ClinVar variation 391949 (VCV000391949.6), dbSNP rs371727483, ClinGen allele CA7285712.